The following is an entry in ClinVar:

NM_003119.4(SPG7):c.1791C>G (p.Thr597=)

Gene: SPG7 (SPG7 matrix AAA peptidase subunit, paraplegin; plus strand). Cytogenetic location: 16q24.3.
Variant type: single nucleotide variant.
Coding change: c.1791C>G on transcript NM_003119.4 (MANE Select); coding-DNA position 1791, C replaced by G.
Protein change: p.Thr597=; no amino-acid change (threonine 597 retained).
Molecular consequence: synonymous variant.
Genome position (GRCh38, 1-based): chr16:89,552,990, C>G. VCF-style: chr16-89552990-C-G. GRCh37 (hg19) VCF-style: chr16-89619398-C-G.
Other names: p.Thr597=; c.1791C>G, p.Thr597= (NM_001363850.1).
Identifiers: ClinVar variation 4684166 (VCV004684166.1).
Genomic context (GRCh38, chr16:89,552,990, plus strand): 5'-AGCCCACGCATCCTGCCTACTGACCTGGGTCATCTTGACCTTGTGCCAGGTCTCCATAAC[C>G]CCTCGGACAAACGCCGCCCTGGGCTTTGCTCAGATGCTCCCCAGAGACCAGCACCTCTTC-3'
Protein context (NP_003110.1, residues 587-607): HTEAVMKVSI[Thr597=]PRTNAALGFA

ClinVar aggregate classification (germline): Likely benign (1 of 4 stars; one submission).

Submission:

Mayo Clinic Laboratories, Mayo Clinic
Classification: Likely benign. Last evaluated: 2025-05-30. Review status: criteria provided, single submitter. Criteria: ACMG Guidelines, 2015. Collection method: clinical testing. Allele origin: germline. Observed: 1 variant allele.
Comment: BP4, BP7